The following is an entry in ClinVar:

ClinVar aggregate classification (germline): Uncertain significance. Review status: criteria provided, multiple submitters, no conflicts (2 of 4 stars). 4 submissions from 4 submitters: Uncertain significance (4). Last evaluated 2026-01-30.

Conditions:
Inborn genetic diseases. Identifiers: MedGen C0950123, MeSH D030342.
Developmental and epileptic encephalopathy, 5 (DEE5). Identifiers: Orphanet 3451, MedGen C3150731, MONDO:0013277, OMIM 613477.
Early-infantile DEE. Also called: Early infantile epileptic encephalopathy with suppression bursts; Ohtahara syndrome; Early infantile epileptic encephalopathy. Identifiers: Orphanet 1934, MedGen C0393706, MONDO:0800491.

Allele frequency attached by ClinVar (database versions not stated): gnomAD exomes below 0.00001; TOPMed below 0.00001; gnomAD 0.00001.

Submissions (4):

Dasa
Classification: Uncertain significance for Developmental and epileptic encephalopathy, 5. Last evaluated: 2026-01-30. Review status: criteria provided, single submitter. Criteria: DASA Assertion Criteria. Collection method: clinical testing. Allele origin: germline.
Comment: NM_001130438.3(SPTAN1):c.649C>G (p.Gln217Glu) is a missense variant that results in the substitution of glutamine with glutamic acid. This variant is rare in population databases. The currently available literature and clinical evidence are not sufficient to establish a definitive association between this variant and the reported condition. Therefore, this variant is classified as a variant of uncertain significance.

Women's Health and Genetics/Laboratory Corporation of America, LabCorp
Classification: Uncertain significance. Last evaluated: 2024-01-24. Review status: criteria provided, single submitter. Criteria: LabCorp Variant Classification Summary - May 2015. Collection method: clinical testing. Allele origin: germline.
Comment: Variant summary: SPTAN1 c.649C>G (p.Gln217Glu) results in a conservative amino acid change in the encoded protein sequence. Four of five in-silico tools predict a benign effect of the variant on protein function. The variant was absent in 248416 control chromosomes. The available data on variant occurrences in the general population are insufficient to allow any conclusion about variant significance. To our knowledge, no occurrence of c.649C>G in individuals affected with Epileptic Encephalopathy, Early Infantile, 5 and no experimental evidence demonstrating its impact on protein function have been reported. ClinVar contains an entry for this variant (Variation ID: 530542). Based on the evidence outlined above, the variant was classified as uncertain significance.

Ambry Genetics
Classification: Uncertain significance for Inborn genetic diseases. Last evaluated: 2020-06-24. Review status: criteria provided, single submitter. Criteria: Ambry Variant Classification Scheme 2023. Collection method: clinical testing. Allele origin: germline.
Comment: The p.Q217E variant (also known as c.649C>G), located in coding exon 4 of the SPTAN1 gene, results from a C to G substitution at nucleotide position 649. The glutamine at codon 217 is replaced by glutamic acid, an amino acid with highly similar properties. This amino acid position is highly conserved in available vertebrate species. In addition, this alteration is predicted to be tolerated by in silico analysis. Since supporting evidence is limited at this time, the clinical significance of this alteration remains unclear.

Labcorp Genetics (formerly Invitae), Labcorp
Classification: Uncertain significance for Early-infantile DEE. Last evaluated: 2017-11-05. Review status: criteria provided, single submitter. Criteria: Invitae Variant Classification Sherloc (09022015). Collection method: clinical testing. Allele origin: germline.
Comment: This sequence change replaces glutamine with glutamic acid at codon 217 of the SPTAN1 protein (p.Gln217Glu). The glutamine residue is highly conserved and there is a small physicochemical difference between glutamine and glutamic acid. Algorithms developed to predict the effect of sequence changes on RNA splicing suggest that this variant may create or strengthen a splice site, but this prediction has not been confirmed by published transcriptional studies. In summary, the available evidence is currently insufficient to determine the role of this variant in disease. Therefore, it has been classified as a Variant of Uncertain Significance. Algorithms developed to predict the effect of missense changes on protein structure and function (SIFT, PolyPhen-2, Align-GVGD) all suggest that this variant is likely to be tolerated, but these predictions have not been confirmed by published functional studies and their clinical significance is uncertain. This variant has not been reported in the literature in individuals with SPTAN1-related disease. This variant is not present in population databases (ExAC no frequency).

NM_001130438.3(SPTAN1):c.649C>G (p.Gln217Glu)

Gene: SPTAN1 (spectrin alpha, non-erythrocytic 1; plus strand). Cytogenetic location: 9q34.11.
Variant type: single nucleotide variant.
Coding change: c.649C>G on transcript NM_001130438.3 (MANE Select); coding-DNA position 649, C replaced by G.
Protein change: p.Gln217Glu; replaces glutamine 217 with glutamic acid.
Molecular consequence: missense variant.
Genome position (GRCh38, 1-based): chr9:128,575,343, C>G. VCF-style: chr9-128575343-C-G. GRCh37 (hg19) VCF-style: chr9-131337622-C-G.
Other names: c.649C>G, p.Gln217Glu (NM_001195532.2, NM_001363759.2, NM_001363765.2 and 1 more transcripts); short protein forms Q217E.
Identifiers: ClinVar variation 530542 (VCV000530542.14), dbSNP rs756290749, ClinGen allele CA200430507.